The following is an entry in ClinVar:

NM_020320.5(RARS2):c.29C>T (p.Ala10Val)

Gene: RARS2 (arginyl-tRNA synthetase 2, mitochondrial; minus strand). Cytogenetic location: 6q15.
Variant type: single nucleotide variant.
Coding change: c.29C>T on transcript NM_020320.5 (MANE Select); coding-DNA position 29, C replaced by T.
Protein change: p.Ala10Val; replaces alanine 10 with valine.
Molecular consequence: missense variant. On other transcripts: 5 prime UTR variant (7), non-coding transcript variant (23).
Genome position (GRCh38, 1-based): chr6:87,589,929, G>A on the plus strand (C>T on the coding strand, the complement: RARS2 is on the minus strand). VCF-style: chr6-87589929-G-A. GRCh37 (hg19) VCF-style: chr6-88299647-G-A.
Other names: c.-662C>T (NM_001318785.2); c.29C>T, p.Ala10Val (NM_001350505.2); c.-718C>T (NM_001350506.2, NM_001350510.2); c.-841C>T (NM_001350507.2); c.-880C>T (NM_001350508.2); c.-588C>T (NM_001350509.2); c.-837C>T (NM_001350511.2); c.29C>T (NM_020320.4); short protein forms A10V.
Identifiers: ClinVar variation 977286 (VCV000977286.5), dbSNP rs1776518694, ClinGen allele CA364919499.

ClinVar aggregate classification (germline): Conflicting classifications of pathogenicity. Review status: criteria provided, conflicting classifications (1 of 4 stars). 4 submissions from 4 submitters: Likely pathogenic (2); Uncertain significance (1). 1 of the submissions does not count toward it. Last evaluated 2025-10-27.

Conditions:
Pontocerebellar hypoplasia type 6 (PCH6). Identifiers: Orphanet 166073, MedGen C1969084, MONDO:0012683, OMIM 611523.

Allele frequency attached by ClinVar (database versions not stated): TOPMed below 0.00001.
gnomAD v4.1: 5 of 1,614,030 alleles (0.00031%); highest among the groups gnomAD compares: South Asian, 0.0011%; no homozygotes.

Submissions (4):

Myriad Genetics, Inc.
Classification: Uncertain significance for Pontocerebellar hypoplasia type 6. Last evaluated: 2025-10-27. Review status: criteria provided, single submitter. Criteria: Myriad Autosomal Dominant, Autosomal Recessive and X-Linked Classification Criteria (2023). Collection method: clinical testing. Allele origin: unknown.
Comment: NM_020320.3(RARS2):c.29C>T(A10V) is a missense variant classified as a variant of uncertain significance in the context of pontocerebellar hypoplasia, RARS2-related. A10V has been observed in cases with relevant disease (PMID: 33972171, 37597066). Relevant functional assessments of this variant are not available in the literature. A10V has not been observed in referenced population frequency databases. In summary, there is insufficient evidence to classify NM_020320.3(RARS2):c.29C>T(A10V) as pathogenic or benign. Please note: this variant was assessed in the context of healthy population screening.

Natera, Inc.
Classification: Likely pathogenic for Pontocerebellar hypoplasia, type 6. Last evaluated: 2024-05-15. Review status: criteria provided, single submitter. Criteria: Natera Variant Classification Schema (03/2026). Collection method: clinical testing. Allele origin: germline.
Comment: The c.29C>T variant in RARS2 is a missense variant predicted to cause substitution of alanine to valine at amino acid 10. This variant is rare in the general population with a frequency below the threshold expected for the associated phenotype(s). This variant has been observed in one or more individuals affected with the associated recessive disease, as either homozygous or compound heterozygous with a second variant (PMID: 30006346, 35468344). Computational prediction algorithms indicate this variant is likely to affect gene or protein function. Given the available evidence, this variant is classified as Likely Pathogenic.

Service de Génétique Médicale, Centre Hospitalier Universitaire de Nice-Université Côte d'Azur
Classification: Likely pathogenic for Pontocerebellar hypoplasia type 6. Last evaluated: 2024-02-27. Review status: criteria provided, single submitter. Criteria: ACMG Guidelines, 2015. Collection method: clinical testing. Allele origin: germline. Affected: yes.

Myelin Disorders Clinic-Children's Medical Center/Medical Genetics Lab-Tarbiat Modares University, Children's Medical Center, Pediatrics Center of Excellence,
Classification: Uncertain significance for Pontocerebellar hypoplasia type 6. Review status: no assertion criteria provided. Collection method: clinical testing. Allele origin: inherited. Inheritance: Autosomal recessive inheritance. Affected: yes. Not counted in ClinVar's aggregate classification.

Literature cited by the submitters: PubMed 33972171 (cited by Myriad Genetics, Inc.); PubMed 37597066 (cited by Myriad Genetics, Inc.); PubMed 30006346 (cited by Natera, Inc.); PubMed 35468344 (cited by Natera, Inc.); PubMed 38703036 (cited by Service de Génétique Médicale, Centre Hospitalier Universitaire de Nice-Université Côte d'Azur).